The following is an entry in ClinVar:

NM_007294.4(BRCA1):c.174T>A (p.Pro58=)

Gene: BRCA1 (BRCA1 DNA repair associated; minus strand). Cytogenetic location: 17q21.31.
Variant type: single nucleotide variant.
Coding change: c.174T>A on transcript NM_007294.4 (MANE Select); coding-DNA position 174, T replaced by A.
Protein change: p.Pro58=; no amino-acid change (proline 58 retained).
Molecular consequence: synonymous variant. On other transcripts: 5 prime UTR variant (61), intron variant (34).
Genome position (GRCh38, 1-based): chr17:43,106,494, A>T on the plus strand (T>A on the coding strand, the complement: BRCA1 is on the minus strand). VCF-style: chr17-43106494-A-T. GRCh37 (hg19) VCF-style: chr17-41258511-A-T.
Other names: c.-15T>A (NM_001407571.1, NM_001407853.1, NM_001407879.1 and 58 more transcripts); c.174T>A, p.Pro58= (NM_001407581.1, NM_001407582.1, NM_001407583.1 and 168 more transcripts); c.33T>A, p.Pro11= (NM_001407692.1, NM_001407694.1, NM_001407695.1 and 99 more transcripts); c.-218-11634T>A (NM_001407967.1, NM_001407966.1); c.-169-1538T>A (NM_001407959.1, NM_001407962.1, NM_001408512.1 and 4 more transcripts); c.81-1538T>A (NM_001408451.1); c.135-1538T>A (NM_001408475.1, NM_001407875.1, NM_001407659.1 and 21 more transcripts).
Identifiers: ClinVar variation 868245 (VCV000868245.3), dbSNP rs2054783548, ClinGen allele CA500128157.

Conditions:
Breast-ovarian cancer, familial, susceptibility to, 1 (BROVCA1). Also called: BRCA1 Hereditary Breast and Ovarian Cancer; OVARIAN CANCER, SUSCEPTIBILITY TO. Identifiers: Orphanet 145, MedGen C2676676, MONDO:0011450, OMIM 604370. Disease mechanism: loss of function.

Submission:

Brotman Baty Institute, University of Washington
No classification provided (evidence only). Condition: Breast-ovarian cancer, familial 1. Review status: no classification provided. Collection method: in vitro. Allele origin: not applicable. Functional consequence: functionally_normal.
ClinVar note: "not provided" was previously submitted as the classification for the variant. However, the classification appeared to be based only on an observation of functional data so it was converted to no classification on 2025-07-30.